The following is an entry in ClinVar:

NM_001290043.2(TAP2):c.529A>T (p.Ile177Phe)

Genes: TAP2 (transporter 2, ATP binding cassette subfamily B member; minus strand), LOC107648851 (meiotic recombination hotspot TAP2; plus strand). Cytogenetic location: 6p21.32.
Variant type: single nucleotide variant.
Coding change: c.529A>T on transcript NM_001290043.2 (MANE Select); coding-DNA position 529, A replaced by T.
Protein change: p.Ile177Phe; replaces isoleucine 177 with phenylalanine.
Molecular consequence: missense variant.
Genome position (GRCh38, 1-based): chr6:32,837,616, T>A on the plus strand (A>T on the coding strand, the complement: TAP2 is on the minus strand). VCF-style: chr6-32837616-T-A. GRCh37 (hg19) VCF-style: chr6-32805393-T-A.
Other names: c.529A>T, p.Ile177Phe (NM_000544.3, NM_018833.3); short protein forms I177F.
Identifiers: ClinVar variation 569565 (VCV000569565.5), dbSNP rs761121102, ClinGen allele CA3746133.

ClinVar aggregate classification (germline): Uncertain significance (1 of 4 stars; one submission).

Conditions:
MHC class I deficiency. Identifiers: Orphanet 34592, MedGen C6024714, MONDO:0011476.

Allele frequency attached by ClinVar (database versions not stated): gnomAD 0.00003 and 0.00002; TOPMed 0.00005; gnomAD exomes 0.00002; ExAC 0.00002.

Submission:

Labcorp Genetics (formerly Invitae), Labcorp
Classification: Uncertain significance for MHC class I deficiency 1. Last evaluated: 2024-02-24. Review status: criteria provided, single submitter. Criteria: Invitae Variant Classification Sherloc (09022015). Collection method: clinical testing. Allele origin: germline.
Comment: This sequence change replaces isoleucine, which is neutral and non-polar, with phenylalanine, which is neutral and non-polar, at codon 177 of the TAP2 protein (p.Ile177Phe). This variant is present in population databases (rs761121102, gnomAD 0.004%). This variant has not been reported in the literature in individuals affected with TAP2-related conditions. ClinVar contains an entry for this variant (Variation ID: 569565). Experimental studies and prediction algorithms are not available or were not evaluated, and the functional significance of this variant is currently unknown. In summary, the available evidence is currently insufficient to determine the role of this variant in disease. Therefore, it has been classified as a Variant of Uncertain Significance.